The following is an entry in ClinVar:

NM_001353345.2(SETD1B):c.1130C>T (p.Thr377Ile)

Gene: SETD1B (SET domain containing 1B, histone lysine methyltransferase; plus strand). Cytogenetic location: 12q24.31.
Variant type: single nucleotide variant.
Coding change: c.1130C>T on transcript NM_001353345.2 (MANE Select); coding-DNA position 1130, C replaced by T.
Protein change: p.Thr377Ile; replaces threonine 377 with isoleucine.
Molecular consequence: missense variant.
Genome position (GRCh38, 1-based): chr12:121,810,075, C>T. VCF-style: chr12-121810075-C-T. GRCh37 (hg19) VCF-style: chr12-122247981-C-T.
Other names: short protein forms T377I.
Identifiers: ClinVar variation 3363459 (VCV003363459.1).

ClinVar aggregate classification (germline): Uncertain significance (1 of 4 stars; one submission).

gnomAD v4.1: 3 of 1,550,280 alleles (0.00019%); highest among the groups gnomAD compares: African/African-American, 0.0014%; no homozygotes.

Submission:

GeneDx
Classification: Uncertain significance. Last evaluated: 2023-10-23. Review status: criteria provided, single submitter. Criteria: GeneDx Variant Classification Process June 2021. Collection method: clinical testing. Allele origin: germline. Affected: yes.
Comment: In silico analysis supports that this missense variant has a deleterious effect on protein structure/function; Has not been previously published as pathogenic or benign to our knowledge